The following is an entry in ClinVar:

ClinVar aggregate classification (germline): Pathogenic/Likely pathogenic. Review status: criteria provided, multiple submitters, no conflicts (2 of 4 stars). 5 submissions from 5 submitters: Pathogenic (2); Likely pathogenic (3). Last evaluated 2025-08-05.

Conditions:
Arthrogryposis multiplex congenita 6. Identifiers: MedGen C5543431, MONDO:0030281, OMIM 619334.
Nemaline myopathy 2 (NEM2). Also called: Nemaline myopathy 2, autosomal recessive. Identifiers: MedGen C1850569, MONDO:0009725, OMIM 256030.

gnomAD v4.1: 7 of 1,613,738 alleles (0.00043%); highest among the groups gnomAD compares: African/African-American, 0.0027%; no homozygotes.

Submissions (5):

Natera, Inc.
Classification: Pathogenic for Nemaline myopathy type 2. Last evaluated: 2025-08-05. Review status: criteria provided, single submitter. Criteria: Natera Variant Classification Schema (03/2026). Collection method: clinical testing. Allele origin: germline.
Comment: The c.10612C>T variant in NEB is a nonsense variant predicted to introduce a stop codon at amino acid 3538. This variant is expected to result in nonsense mediated decay, truncation, or a dysfunctional protein product. This variant is rare in the general population with a frequency below the threshold expected for the associated phenotype(s). This variant has been observed in one or more individuals affected with the associated recessive disease, as either homozygous or compound heterozygous with a second variant (PMID: 38968056). Given the available evidence, this variant is classified as Pathogenic.

Fulgent Genetics
Classification: Likely pathogenic for Nemaline myopathy 2; Arthrogryposis multiplex congenita 6. Last evaluated: 2024-04-08. Review status: criteria provided, single submitter. Criteria: ACMG Guidelines, 2015. Collection method: clinical testing. Allele origin: germline.

Labcorp Genetics (formerly Invitae), Labcorp
Classification: Pathogenic for Nemaline myopathy 2. Last evaluated: 2024-02-07. Review status: criteria provided, single submitter. Criteria: Invitae Variant Classification Sherloc (09022015). Collection method: clinical testing. Allele origin: germline.
Comment: This sequence change creates a premature translational stop signal (p.Arg3538*) in the NEB gene. It is expected to result in an absent or disrupted protein product. Loss-of-function variants in NEB are known to be pathogenic (PMID: 25205138). This variant is present in population databases (no rsID available, gnomAD 0.007%). This variant has not been reported in the literature in individuals affected with NEB-related conditions. ClinVar contains an entry for this variant (Variation ID: 801770). For these reasons, this variant has been classified as Pathogenic.

Baylor Genetics
Classification: Likely pathogenic for Arthrogryposis multiplex congenita 6. Last evaluated: 2024-01-01. Review status: criteria provided, single submitter. Criteria: ACMG Guidelines, 2015. Collection method: clinical testing. Allele origin: unknown.

Mendelics
Classification: Likely pathogenic for Nemaline myopathy 2. Last evaluated: 2019-05-28. Review status: criteria provided, single submitter. Criteria: Mendelics Assertion Criteria 2017. Collection method: clinical testing. Allele origin: unknown.

Literature cited by the submitters: PubMed 38968056 (cited by Natera, Inc.); PubMed 25205138 (cited by Labcorp Genetics (formerly Invitae), Labcorp).

NM_001164508.2(NEB):c.10612C>T (p.Arg3538Ter)

Gene: NEB (nebulin; minus strand). Cytogenetic location: 2q23.3.
Variant type: single nucleotide variant.
Coding change: c.10612C>T on transcript NM_001164508.2 (MANE Select); coding-DNA position 10612, C replaced by T.
Protein change: p.Arg3538Ter; replaces arginine 3538 with a stop codon.
Molecular consequence: nonsense.
Genome position (GRCh38, 1-based): chr2:151,619,711, G>A on the plus strand (C>T on the coding strand, the complement: NEB is on the minus strand). VCF-style: chr2-151619711-G-A. GRCh37 (hg19) VCF-style: chr2-152476225-G-A.
Other names: c.10612C>T, p.Arg3538Ter (NM_001164507.2, NM_001271208.2); c.9883C>T, p.Arg3295Ter (NM_004543.5); short protein forms R3295*, R3538*.
Identifiers: ClinVar variation 801770 (VCV000801770.11), dbSNP rs779909544, ClinGen allele CA348788689.
Genomic context (GRCh38, chr2:151,619,711, plus strand): 5'-CACTCTGCACTTTGGCAATGTGGAGGGACCACATTATCTTGGGGTCATCGTGTACTGCTC[G>A]GGCGCCAATGTGGTGACCCAACTGTTTACGATATGCTTCTTTGTATTTGTACTGAAAGAG-3'